The following is an entry in ClinVar:

ClinVar aggregate classification (germline): Uncertain significance (1 of 4 stars; one submission).

Conditions:
Developmental and epileptic encephalopathy, 31A. Also called: Developmental and epileptic encephalopathy, 31; Epileptic encephalopathy, early infantile, 31. Identifiers: Orphanet 2382, MedGen C4225357, MONDO:0014598, OMIM 616346.

Allele frequency attached by ClinVar (database versions not stated): TOPMed below 0.00001; gnomAD 0.00001.
gnomAD v4.1: 1 of 1,614,040 alleles (0.000062%); highest among the groups gnomAD compares: African/African-American, 0.0013%; no homozygotes.

Submission:

Labcorp Genetics (formerly Invitae), Labcorp
Classification: Uncertain significance for Developmental and epileptic encephalopathy, 31A. Last evaluated: 2025-08-08. Review status: criteria provided, single submitter. Criteria: Invitae Variant Classification Sherloc (09022015). Collection method: clinical testing. Allele origin: germline.
Comment: This sequence change replaces arginine, which is basic and polar, with cysteine, which is neutral and slightly polar, at codon 725 of the DNM1 protein (p.Arg725Cys). This variant is not present in population databases (gnomAD no frequency). This variant has not been reported in the literature in individuals affected with DNM1-related conditions. ClinVar contains an entry for this variant (Variation ID: 1022676). Invitae Evidence Modeling of protein sequence and biophysical properties (such as structural, functional, and spatial information, amino acid conservation, physicochemical variation, residue mobility, and thermodynamic stability) indicates that this missense variant is expected to disrupt DNM1 protein function with a positive predictive value of 80%. In summary, the available evidence is currently insufficient to determine the role of this variant in disease. Therefore, it has been classified as a Variant of Uncertain Significance.

NM_004408.4(DNM1):c.2173C>T (p.Arg725Cys)

Gene: DNM1 (dynamin 1; plus strand). Cytogenetic location: 9q34.11.
Variant type: single nucleotide variant.
Coding change: c.2173C>T on transcript NM_004408.4 (MANE Select); coding-DNA position 2173, C replaced by T.
Protein change: p.Arg725Cys; replaces arginine 725 with cysteine.
Molecular consequence: missense variant.
Genome position (GRCh38, 1-based): chr9:128,250,211, C>T. VCF-style: chr9-128250211-C-T. GRCh37 (hg19) VCF-style: chr9-131012490-C-T.
Other names: c.2173C>T, p.Arg725Cys (NM_001005336.3, NM_001288737.2, NM_001288738.2 and 2 more transcripts); short protein forms R725C.
Identifiers: ClinVar variation 1022676 (VCV001022676.12), dbSNP rs1414107946, ClinGen allele CA375000845.